The following is an entry in ClinVar:

NM_006009.4(TUBA1A):c.998C>T (p.Ala333Val)

Gene: TUBA1A (tubulin alpha 1a; minus strand). Cytogenetic location: 12q13.12.
Variant type: single nucleotide variant.
Coding change: c.998C>T on transcript NM_006009.4 (MANE Select); coding-DNA position 998, C replaced by T.
Protein change: p.Ala333Val; replaces alanine 333 with valine.
Molecular consequence: missense variant.
Genome position (GRCh38, 1-based): chr12:49,185,368, G>A on the plus strand (C>T on the coding strand, the complement: TUBA1A is on the minus strand). VCF-style: chr12-49185368-G-A. GRCh37 (hg19) VCF-style: chr12-49579151-G-A.
Other names: c.998C>T, p.Ala333Val (NM_001270399.2); c.893C>T, p.Ala298Val (NM_001270400.2); short protein forms A333V, A298V.
Identifiers: ClinVar variation 625476 (VCV000625476.2), dbSNP rs1565627046, ClinGen allele CA384637337.
Genomic context (GRCh38, chr12:49,185,368, plus strand): 5'-ACCTTGAAGCCAGTGGGGCACCAATCCACAAACTGGATGGTACGCTTGGTCTTGATGGTG[G>A]CAATGGCAGCATTGACATCTTTGGGAACCACGTCACCACGGTACAACAGGCAGCAAGCCA-3'
Protein context (NP_006000.2, residues 323-343): VVPKDVNAAI[Ala333Val]TIKTKRTIQF

ClinVar aggregate classification (germline): Pathogenic (1 of 4 stars; one submission).

Conditions:
Tubulinopathy. Also called: Tubulinopathies. Identifiers: MedGen CN850169, MONDO:0100153.

Submission:

Institute of Human Genetics, FAU Erlangen, Friedrich-Alexander-Universität Erlangen-Nürnberg
Classification: Pathogenic for Tubulinopathies. Last evaluated: 2018-07-01. Review status: criteria provided, single submitter. Criteria: ACMG Guidelines, 2015. Collection method: literature only. Allele origin: de novo. Affected: yes. Observed: 1 variant allele.
Comment: The c.998C>T, p.(Ala333Val) variant has been reported as a variant of de novo origin. This variant and associated phenotype was previously reported by Cushion et al. Brain, 2013 PMID: 23361065. HPO-standardized clinical features were: Hypoplasia of the corpus callosum (HP:0002079); Polymicrogyria (HP:0002126); Cerebellar vermis hypoplasia (HP:0001320); Hypoplasia of the brainstem (HP:0002365); Dilation of lateral ventricles, Dilated fourth ventricle (HP:0006956, HP:0002198).

Literature cited by the submitters: PubMed 30744660; DOI 10.1101/427948.